The following is an entry in ClinVar:

ClinVar aggregate classification (germline): Uncertain significance (1 of 4 stars; one submission).

Allele frequency attached by ClinVar (database versions not stated): gnomAD exomes below 0.00001; gnomAD 0.00001; TOPMed 0.00002.
gnomAD v4.1: 11 of 1,613,974 alleles (0.00068%); highest among the groups gnomAD compares: Admixed American, 0.0017%; no homozygotes.

Submission:

Labcorp Genetics (formerly Invitae), Labcorp
Classification: Uncertain significance. Last evaluated: 2023-02-11. Review status: criteria provided, single submitter. Criteria: Invitae Variant Classification Sherloc (09022015). Collection method: clinical testing. Allele origin: germline.
Comment: This sequence change replaces alanine, which is neutral and non-polar, with threonine, which is neutral and polar, at codon 89 of the CACNA1D protein (p.Ala89Thr). This variant is present in population databases (no rsID available, gnomAD 0.0009%). This variant has not been reported in the literature in individuals affected with CACNA1D-related conditions. ClinVar contains an entry for this variant (Variation ID: 1429350). Advanced modeling of protein sequence and biophysical properties (such as structural, functional, and spatial information, amino acid conservation, physicochemical variation, residue mobility, and thermodynamic stability) performed at Invitae indicates that this missense variant is not expected to disrupt CACNA1D protein function. In summary, the available evidence is currently insufficient to determine the role of this variant in disease. Therefore, it has been classified as a Variant of Uncertain Significance.

NM_001128840.3(CACNA1D):c.265G>A (p.Ala89Thr)

Gene: CACNA1D (calcium voltage-gated channel subunit alpha1 D; plus strand). Cytogenetic location: 3p21.1.
Variant type: single nucleotide variant.
Coding change: c.265G>A on transcript NM_001128840.3 (MANE Select); coding-DNA position 265, G replaced by A.
Protein change: p.Ala89Thr; replaces alanine 89 with threonine.
Molecular consequence: missense variant.
Genome position (GRCh38, 1-based): chr3:53,497,349, G>A. VCF-style: chr3-53497349-G-A. GRCh37 (hg19) VCF-style: chr3-53531376-G-A.
Other names: c.265G>A, p.Ala89Thr (NM_000720.4, NM_001128839.3); short protein forms A89T.
Identifiers: ClinVar variation 1429350 (VCV001429350.8), dbSNP rs1039308287, ClinGen allele CA353382094.